The following is an entry in ClinVar:

ClinVar aggregate classification (germline): Uncertain significance. Review status: criteria provided, multiple submitters, no conflicts (2 of 4 stars). 2 submissions from 2 submitters: Uncertain significance (2). Last evaluated 2025-06-06.

Conditions:
Bethlem myopathy 1A. Also called: Bethlem Muscular Dystrophy; Bethlem myopathy 1; MYOPATHY, BENIGN CONGENITAL, WITH CONTRACTURES. Identifiers: Orphanet 610, MedGen CN029274, MONDO:0024530, OMIM 158810.
Ullrich congenital muscular dystrophy 1C (UCMD1C). Identifiers: MedGen C5935583, MONDO:0958236, OMIM 620728.

Allele frequency attached by ClinVar (database versions not stated): gnomAD below 0.00001 and 0.00001; TOPMed below 0.00001; gnomAD exomes 0.00003 and 0.00004; ExAC 0.00004.
gnomAD v4.1: 43 of 1,613,496 alleles (0.0027%); highest among the groups gnomAD compares: South Asian, 0.046%; no homozygotes.

Submissions (2):

Labcorp Genetics (formerly Invitae), Labcorp
Classification: Uncertain significance for Bethlem myopathy 1A. Last evaluated: 2025-06-06. Review status: criteria provided, single submitter. Criteria: Invitae Variant Classification Sherloc (09022015). Collection method: clinical testing. Allele origin: germline.
Comment: This sequence change falls in intron 36 of the COL6A3 gene. It does not directly change the encoded amino acid sequence of the COL6A3 protein. It affects a nucleotide within the consensus splice site. This variant is present in population databases (rs763071900, gnomAD 0.04%). This variant has been observed in individual(s) with COL6A3-related conditions (PMID: 37366078). ClinVar contains an entry for this variant (Variation ID: 643200). Variants that disrupt the consensus splice site are a relatively common cause of aberrant splicing (PMID: 17576681, 9536098). Algorithms developed to predict the effect of sequence changes on RNA splicing suggest that this variant is not likely to affect RNA splicing. In summary, the available evidence is currently insufficient to determine the role of this variant in disease. Therefore, it has been classified as a Variant of Uncertain Significance.

Department of Pathology and Laboratory Medicine, Sinai Health System
Classification: Uncertain significance for Ullrich congenital muscular dystrophy 1C. Last evaluated: 2023-01-11. Review status: criteria provided, single submitter. Criteria: ACMG Guidelines, 2015. Collection method: research. Allele origin: germline.

Literature cited by the submitters: PubMed 37366078 (cited by Labcorp Genetics (formerly Invitae), Labcorp); PubMed 17576681 (cited by Labcorp Genetics (formerly Invitae), Labcorp); PubMed 9536098 (cited by Labcorp Genetics (formerly Invitae), Labcorp).

NM_004369.4(COL6A3):c.7669-3C>T

Gene: COL6A3 (collagen type VI alpha 3 chain; minus strand). Cytogenetic location: 2q37.3.
Variant type: single nucleotide variant.
Coding change: c.7669-3C>T on transcript NM_004369.4 (MANE Select); 3 bases into the intron before coding-DNA position 7669, C replaced by T.
Molecular consequence: intron variant.
Genome position (GRCh38, 1-based): chr2:237,342,164, G>A on the plus strand (C>T on the coding strand, the complement: COL6A3 is on the minus strand). VCF-style: chr2-237342164-G-A. GRCh37 (hg19) VCF-style: chr2-238250807-G-A.
Other names: c.5848-3C>T (NM_057166.5); c.7051-3C>T (NM_057167.4).
Identifiers: ClinVar variation 643200 (VCV000643200.10), dbSNP rs763071900, ClinGen allele CA2187732.
Genomic context (GRCh38, chr2:237,342,164, plus strand): 5'-CTGTGAGGTCTCTCCCTGCAGGCAGGACAAGCGCATGCCCCACTGCTGTGTTATTGATCT[G>A]GTTTAAACAAAAGAACAATTTTGGTAGGGGCGTACATGATCAGTAATATCTGAAAATATG-3'